The following is an entry in ClinVar:

NM_001370259.2(MEN1):c.205C>G (p.Pro69Ala)

Gene: MEN1 (menin 1; minus strand). Cytogenetic location: 11q13.1.
Variant type: single nucleotide variant.
Coding change: c.205C>G on transcript NM_001370259.2 (MANE Select); coding-DNA position 205, C replaced by G.
Protein change: p.Pro69Ala; replaces proline 69 with alanine.
Molecular consequence: missense variant. On other transcripts: non-coding transcript variant (4).
Genome position (GRCh38, 1-based): chr11:64,809,905, G>C on the plus strand (C>G on the coding strand, the complement: MEN1 is on the minus strand). VCF-style: chr11-64809905-G-C. GRCh37 (hg19) VCF-style: chr11-64577377-G-C.
Other names: c.205C>G, p.Pro69Ala (NM_000244.4, NM_001370251.2, NM_001370260.2 and 20 more transcripts); short protein forms P69A.
Identifiers: ClinVar variation 2564988 (VCV002564988.2), dbSNP rs1060499995, ClinGen allele CA381187650.

ClinVar aggregate classification (germline): Uncertain significance (1 of 4 stars; one submission).

Conditions:
Hereditary cancer-predisposing syndrome. Also called: Neoplastic Syndromes, Hereditary; Hereditary Cancer Syndrome; Hereditary neoplastic syndrome; Tumor predisposition. Identifiers: Orphanet 140162, MedGen C0027672, MeSH D009386, MONDO:0015356.

Submission:

Ambry Genetics
Classification: Uncertain significance for Hereditary cancer-predisposing syndrome. Last evaluated: 2023-05-28. Review status: criteria provided, single submitter. Criteria: Ambry Variant Classification Scheme 2023. Collection method: clinical testing. Allele origin: germline.
Comment: The p.P69A variant (also known as c.205C>G), located in coding exon 1 of the MEN1 gene, results from a C to G substitution at nucleotide position 205. The proline at codon 69 is replaced by alanine, an amino acid with highly similar properties. This amino acid position is conserved. In addition, the in silico prediction for this alteration is inconclusive. Since supporting evidence is limited at this time, the clinical significance of this alteration remains unclear.